The following is an entry in ClinVar:

NM_000143.4(FH):c.1307T>A (p.Val436Glu)

Gene: FH (fumarate hydratase; minus strand). Cytogenetic location: 1q43.
Variant type: single nucleotide variant.
Coding change: c.1307T>A on transcript NM_000143.4 (MANE Select); coding-DNA position 1307, T replaced by A.
Protein change: p.Val436Glu; replaces valine 436 with glutamic acid.
Molecular consequence: missense variant.
Genome position (GRCh38, 1-based): chr1:241,500,520, A>T on the plus strand (T>A on the coding strand, the complement: FH is on the minus strand). VCF-style: chr1-241500520-A-T. GRCh37 (hg19) VCF-style: chr1-241663820-A-T.
Other names: short protein forms V436E.
Identifiers: ClinVar variation 4843544 (VCV004843544.1).

ClinVar aggregate classification (germline): Uncertain significance (1 of 4 stars; one submission).

Conditions:
Hereditary cancer-predisposing syndrome. Also called: Neoplastic Syndromes, Hereditary; Tumor predisposition; Hereditary Cancer Syndrome; Hereditary neoplastic syndrome. Identifiers: Orphanet 140162, MedGen C0027672, MeSH D009386, MONDO:0015356.

Submission:

Ambry Genetics
Classification: Uncertain significance for Hereditary cancer-predisposing syndrome. Last evaluated: 2025-12-26. Review status: criteria provided, single submitter. Criteria: Ambry Variant Classification Scheme 2023. Collection method: clinical testing. Allele origin: germline.
Comment: The p.V436E variant (also known as c.1307T>A), located in coding exon 9 of the FH gene, results from a T to A substitution at nucleotide position 1307. The valine at codon 436 is replaced by glutamic acid, an amino acid with dissimilar properties. This amino acid position is conserved. In addition, the in silico prediction for this alteration is inconclusive. Based on the available evidence, the clinical significance of this variant remains unclear.